The following is an entry in ClinVar:

NM_007194.4(CHEK2):c.1387G>C (p.Val463Leu)

Gene: CHEK2 (checkpoint kinase 2; minus strand). Cytogenetic location: 22q12.1.
Variant type: single nucleotide variant.
Coding change: c.1387G>C on transcript NM_007194.4 (MANE Select); coding-DNA position 1387, G replaced by C.
Protein change: p.Val463Leu; replaces valine 463 with leucine.
Molecular consequence: missense variant.
Genome position (GRCh38, 1-based): chr22:28,694,106, C>G on the plus strand (G>C on the coding strand, the complement: CHEK2 is on the minus strand). VCF-style: chr22-28694106-C-G. GRCh37 (hg19) VCF-style: chr22-29090094-C-G.
Other names: c.1387G>C (NM_007194.3); c.1516G>C, p.Val506Leu (NM_001005735.3); c.724G>C, p.Val242Leu (NM_001257387.3); c.1186G>C, p.Val396Leu (NM_001349956.3); c.1300G>C, p.Val434Leu (NM_145862.3); short protein forms V242L, V396L, V463L, V434L, V506L.
Identifiers: ClinVar variation 2757939 (VCV002757939.4), dbSNP rs1555913172, ClinGen allele CA411094513.

ClinVar aggregate classification (germline): Uncertain significance. Review status: criteria provided, multiple submitters, no conflicts (2 of 4 stars). 2 submissions from 2 submitters: Uncertain significance (2). Last evaluated 2026-09-06.

Conditions:
Hereditary cancer-predisposing syndrome. Also called: Hereditary Cancer Syndrome; Hereditary neoplastic syndrome; Neoplastic Syndromes, Hereditary; Tumor predisposition. Identifiers: Orphanet 140162, MedGen C0027672, MeSH D009386, MONDO:0015356.
Familial cancer of breast. Also called: BREAST CANCER, FAMILIAL; Hereditary breast cancer; hereditary breast carcinoma. Identifiers: Orphanet 227535, MedGen C0346153, MONDO:0016419, OMIM 114480. Disease mechanism: loss of function.

Submissions (2):

Ambry Genetics
Classification: Uncertain significance for Hereditary cancer-predisposing syndrome. Last evaluated: 2026-09-06. Review status: criteria provided, single submitter. Criteria: Ambry Variant Classification Scheme 2023. Collection method: clinical testing. Allele origin: germline.
Comment: The p.V463L variant (also known as c.1387G>C), located in coding exon 12 of the CHEK2 gene, results from a G to C substitution at nucleotide position 1387. The valine at codon 463 is replaced by leucine, an amino acid with highly similar properties. In an assay testing CHEK2 function, this variant showed a functionally abnormal result (McCarthy-Leo CE et al. PLoS Genet, 2024 Aug;20:e1011375). This amino acid position is highly conserved in available vertebrate species. In addition, the in silico prediction for this alteration is inconclusive. Based on the available evidence, the clinical significance of this variant remains unclear.

Labcorp Genetics (formerly Invitae), Labcorp
Classification: Uncertain significance for Familial cancer of breast. Last evaluated: 2023-09-04. Review status: criteria provided, single submitter. Criteria: Invitae Variant Classification Sherloc (09022015). Collection method: clinical testing. Allele origin: germline.
Comment: In summary, the available evidence is currently insufficient to determine the role of this variant in disease. Therefore, it has been classified as a Variant of Uncertain Significance. An algorithm developed to predict the effect of missense changes on protein structure and function (PolyPhen-2) suggests that this variant is likely to be tolerated. This variant has not been reported in the literature in individuals affected with CHEK2-related conditions. This variant is not present in population databases (gnomAD no frequency). This sequence change replaces valine, which is neutral and non-polar, with leucine, which is neutral and non-polar, at codon 463 of the CHEK2 protein (p.Val463Leu).

Literature cited by the submitters: PubMed 39146382 (cited by Ambry Genetics).